The following is an entry in ClinVar:

ClinVar aggregate classification (germline): Pathogenic. Review status: criteria provided, single submitter (1 of 4 stars). 2 submissions from 2 submitters: Pathogenic (1). 1 of the submissions does not count toward it. Last evaluated 2024-01-11.

Conditions:
SPEG-related disorder. Also called: SPEG-related condition.

Submissions (2):

Labcorp Genetics (formerly Invitae), Labcorp
Classification: Pathogenic. Last evaluated: 2024-01-11. Review status: criteria provided, single submitter. Criteria: Invitae Variant Classification Sherloc (09022015). Collection method: clinical testing. Allele origin: germline.
Comment: This sequence change creates a premature translational stop signal (p.Ser1641Cysfs*57) in the SPEG gene. It is expected to result in an absent or disrupted protein product. Loss-of-function variants in SPEG are known to be pathogenic (PMID: 19118250, 25087613). This variant is not present in population databases (gnomAD no frequency). This variant has not been reported in the literature in individuals affected with SPEG-related conditions. For these reasons, this variant has been classified as Pathogenic.

PreventionGenetics, part of Exact Sciences
Classification: Likely pathogenic for SPEG-related condition. Last evaluated: 2024-05-22. Review status: no assertion criteria provided. Collection method: clinical testing. Allele origin: germline. Not counted in ClinVar's aggregate classification.
Comment: The SPEG c.4922_4943del22 variant is predicted to result in a frameshift and premature protein termination (p.Ser1641Cysfs*57). To our knowledge, this variant has not been reported in the literature or in a large population database, indicating this variant is rare. Frameshift variants in SPEG are expected to be pathogenic. This variant is interpreted as likely pathogenic.

Literature cited by the submitters: PubMed 19118250 (cited by Labcorp Genetics (formerly Invitae), Labcorp); PubMed 25087613 (cited by Labcorp Genetics (formerly Invitae), Labcorp).

NM_005876.5(SPEG):c.4922_4943del (p.Ser1641fs)

Gene: SPEG (striated muscle enriched protein kinase; plus strand). Cytogenetic location: 2q35.
Variant type: Deletion.
Coding change: c.4922_4943del on transcript NM_005876.5 (MANE Select); coding-DNA positions 4922 to 4943, 22 bases deleted (CAGCGCGTCGGGAGGCCCGGCT).
Protein change: p.Ser1641fs; shifts the reading frame from serine 1641.
Molecular consequence: frameshift variant.
Genome position (GRCh38, 1-based): chr2:219,478,000-219,478,021, CAGCGCGTCGGGAGGCCCGGCT deleted; deleting any 22 consecutive bases within chr2:219,477,999-219,478,021 gives the same sequence; the c. name uses the placement nearest the transcript's 3' end. VCF-style (leftmost placement, unchanged base first): chr2-219477998-ATCAGCGCGTCGGGAGGCCCGGC-A. GRCh37 (hg19) VCF-style: chr2-220342720-ATCAGCGCGTCGGGAGGCCCGGC-A.
Other names: c.4922_4943del22 (NM_005876.4); short protein forms S1641fs.
Identifiers: ClinVar variation 2771101 (VCV002771101.4), dbSNP rs2545867076, ClinGen allele CA2697550439.
Genomic context (GRCh38, chr2:219,477,998, plus strand): 5'-GCGTAGCTCCGGCCTGGAGTTTGCGGCCAAGTTCATCCCCAGCCAGGCCAAGCCAAAGGC[ATCAGCGCGTCGGGAGGCCCGGC>A]TGCTGGCCAGGCTCCAGCACGACTGTGTCCTCTACTTCCATGAGGCCTTCGAGAGGCGCC-3'